The following is an entry in ClinVar:

ClinVar aggregate classification (germline): Benign. Review status: criteria provided, multiple submitters, no conflicts (2 of 4 stars). 3 submissions from 3 submitters: Benign (2). 1 of the submissions does not count toward it. Last evaluated 2021-05-04.

Conditions:
LAMC1-related disorder. Also called: LAMC1-related condition.

Allele frequency attached by ClinVar (database versions not stated): gnomAD exomes 0.00720; ExAC 0.00841; gnomAD 0.02553 and 0.02750; 1000 Genomes Project 0.02656; ESP Exome Variant Server 0.02660; 1000 Genomes Project 30x 0.02795; TOPMed 0.02875.
gnomAD v4.1: 8,304 of 1,613,044 alleles (0.51%); highest among the groups gnomAD compares: African/African-American, 8.5%; 289 homozygotes.

Submissions (3):

GeneDx
Classification: Benign. Last evaluated: 2021-05-04. Review status: criteria provided, single submitter. Criteria: GeneDx Variant Classification Process June 2021. Collection method: clinical testing. Allele origin: germline. Affected: yes.

Breakthrough Genomics
Classification: Benign. Review status: criteria provided, single submitter. Criteria: ACMG Guidelines, 2015. Collection method: not provided. Allele origin: germline. Inheritance: Unknown mechanism. Affected: yes.

PreventionGenetics, part of Exact Sciences
Classification: Benign for LAMC1-related condition. Last evaluated: 2019-09-06. Review status: no assertion criteria provided. Collection method: clinical testing. Allele origin: germline. Not counted in ClinVar's aggregate classification.
Comment: This variant is classified as benign based on ACMG/AMP sequence variant interpretation guidelines (Richards et al. 2015 PMID: 25741868, with internal and published modifications).

NM_002293.4(LAMC1):c.894C>T (p.Asn298=)

Gene: LAMC1 (laminin subunit gamma 1; plus strand). Cytogenetic location: 1q25.3.
Variant type: single nucleotide variant.
Coding change: c.894C>T on transcript NM_002293.4 (MANE Select); coding-DNA position 894, C replaced by T.
Protein change: p.Asn298=; no amino-acid change (asparagine 298 retained).
Molecular consequence: synonymous variant.
Genome position (GRCh38, 1-based): chr1:183,110,527, C>T. VCF-style: chr1-183110527-C-T. GRCh37 (hg19) VCF-style: chr1-183079662-C-T.
Identifiers: ClinVar variation 1290361 (VCV001290361.5), dbSNP rs12066326, ClinGen allele CA1280949.
Genomic context (GRCh38, chr1:183,110,527, plus strand): 5'-GAGTATCTCTTCTCTCCCCAGATGTAAATGTAATGGACACGCAAGCGAGTGTATGAAGAA[C>T]GAATTTGATAAGCTGGTGTGTAATTGCAAACATAACACATATGGAGTAGACTGTGAAAAG-3'
Protein context (NP_002284.3, residues 288-308): CNGHASECMK[Asn298=]EFDKLVCNCK